The following is an entry in ClinVar:

ClinVar aggregate classification (germline): Uncertain significance. Review status: criteria provided, multiple submitters, no conflicts (2 of 4 stars). 2 submissions from 2 submitters: Uncertain significance (2). Last evaluated 2026-02-01.

Conditions:
Dilated cardiomyopathy 1W (CMD1W). Identifiers: Orphanet 154, MedGen C1969639, MONDO:0012667, OMIM 611407.
Cardiovascular phenotype. Identifiers: MedGen CN230736.

Allele frequency attached by ClinVar (database versions not stated): TOPMed below 0.00001; gnomAD 0.00001; gnomAD exomes 0.00001 and below 0.00001.
gnomAD v4.1: 14 of 1,613,924 alleles (0.00087%); highest among the groups gnomAD compares: South Asian, 0.0044%; no homozygotes.

Submissions (2):

Labcorp Genetics (formerly Invitae), Labcorp
Classification: Uncertain significance for Dilated cardiomyopathy 1W. Last evaluated: 2026-02-01. Review status: criteria provided, single submitter. Criteria: Invitae Variant Classification Sherloc (09022015). Collection method: clinical testing. Allele origin: germline.
Comment: This sequence change replaces arginine, which is basic and polar, with glutamine, which is neutral and polar, at codon 570 of the VCL protein (p.Arg570Gln). This variant is present in population databases (no rsID available, gnomAD 0.003%). This variant has not been reported in the literature in individuals affected with VCL-related conditions. ClinVar contains an entry for this variant (Variation ID: 948158). An algorithm developed to predict the effect of missense changes on protein structure and function (PolyPhen-2) suggests that this variant is likely to be tolerated. In summary, the available evidence is currently insufficient to determine the role of this variant in disease. Therefore, it has been classified as a Variant of Uncertain Significance.

Ambry Genetics
Classification: Uncertain significance for Cardiovascular phenotype. Last evaluated: 2024-01-11. Review status: criteria provided, single submitter. Criteria: Ambry Variant Classification Scheme 2023. Collection method: clinical testing. Allele origin: germline.
Comment: The p.R570Q variant (also known as c.1709G>A), located in coding exon 12 of the VCL gene, results from a G to A substitution at nucleotide position 1709. The arginine at codon 570 is replaced by glutamine, an amino acid with highly similar properties. This amino acid position is conserved. In addition, this alteration is predicted to be tolerated by in silico analysis. Since supporting evidence is limited at this time, the clinical significance of this alteration remains unclear.

NM_014000.3(VCL):c.1709G>A (p.Arg570Gln)

Gene: VCL (vinculin; plus strand). Cytogenetic location: 10q22.2.
Variant type: single nucleotide variant.
Coding change: c.1709G>A on transcript NM_014000.3 (MANE Select); coding-DNA position 1709, G replaced by A.
Protein change: p.Arg570Gln; replaces arginine 570 with glutamine.
Molecular consequence: missense variant.
Genome position (GRCh38, 1-based): chr10:74,095,821, G>A. VCF-style: chr10-74095821-G-A. GRCh37 (hg19) VCF-style: chr10-75855579-G-A.
Other names: c.1709G>A, p.Arg570Gln (NM_003373.4); short protein forms R570Q.
Identifiers: ClinVar variation 948158 (VCV000948158.10), dbSNP rs1227574438, ClinGen allele CA377275162.